The following is an entry in ClinVar:

NM_001378454.1(ALMS1):c.11204C>G (p.Ser3735Trp)

Gene: ALMS1 (ALMS1 centrosome and basal body associated protein; plus strand). Cytogenetic location: 2p13.1.
Variant type: single nucleotide variant.
Coding change: c.11204C>G on transcript NM_001378454.1 (MANE Select); coding-DNA position 11204, C replaced by G.
Protein change: p.Ser3735Trp; replaces serine 3735 with tryptophan.
Molecular consequence: missense variant.
Genome position (GRCh38, 1-based): chr2:73,573,081, C>G. VCF-style: chr2-73573081-C-G. GRCh37 (hg19) VCF-style: chr2-73800208-C-G.
Other names: c.11207C>G, p.Ser3736Trp (NM_015120.4); short protein forms S3735W, S3736W.
Identifiers: ClinVar variation 2038217 (VCV002038217.4), dbSNP rs367877017, ClinGen allele CA347288181.

ClinVar aggregate classification (germline): Uncertain significance (1 of 4 stars; one submission).

Conditions:
Alstrom syndrome (ALMS). Identifiers: Orphanet 64, MedGen C0268425, MONDO:0008763, OMIM 203800.

Submission:

Labcorp Genetics (formerly Invitae), Labcorp
Classification: Uncertain significance for Alstrom syndrome. Last evaluated: 2022-03-14. Review status: criteria provided, single submitter. Criteria: Invitae Variant Classification Sherloc (09022015). Collection method: clinical testing. Allele origin: germline.
Comment: This sequence change replaces serine, which is neutral and polar, with tryptophan, which is neutral and slightly polar, at codon 3736 of the ALMS1 protein (p.Ser3736Trp). This variant is not present in population databases (gnomAD no frequency). In summary, the available evidence is currently insufficient to determine the role of this variant in disease. Therefore, it has been classified as a Variant of Uncertain Significance. Experimental studies and prediction algorithms are not available or were not evaluated, and the effect of this variant on mRNA splicing is currently unknown. This variant has not been reported in the literature in individuals affected with ALMS1-related conditions.